The following is an entry in ClinVar:

NM_020207.7(ERCC6L2):c.1016A>C (p.His339Pro)

Gene: ERCC6L2 (ERCC excision repair 6 like 2; plus strand). Cytogenetic location: 9q22.32.
Variant type: single nucleotide variant.
Coding change: c.1016A>C on transcript NM_020207.7 (MANE Select); coding-DNA position 1016, A replaced by C.
Protein change: p.His339Pro; replaces histidine 339 with proline.
Molecular consequence: missense variant. On other transcripts: non-coding transcript variant (1).
Genome position (GRCh38, 1-based): chr9:95,916,292, A>C. VCF-style: chr9-95916292-A-C. GRCh37 (hg19) VCF-style: chr9-98678574-A-C.
Other names: c.1016A>C, p.His339Pro (NM_001010895.4, NM_001375291.1, NM_001375292.1 and 2 more transcripts); short protein forms H339P.
Identifiers: ClinVar variation 4618758 (VCV004618758.1).

ClinVar aggregate classification (germline): Uncertain significance (1 of 4 stars; one submission).

Conditions:
Inborn genetic diseases. Identifiers: MedGen C0950123, MeSH D030342.

Submission:

Ambry Genetics
Classification: Uncertain significance for Inborn genetic diseases. Last evaluated: 2025-11-11. Review status: criteria provided, single submitter. Criteria: Ambry Variant Classification Scheme 2023. Collection method: clinical testing. Allele origin: germline.
Comment: The p.H339P variant (also known as c.1016A>C), located in coding exon 6 of the ERCC6L2 gene, results from an A to C substitution at nucleotide position 1016. The histidine at codon 339 is replaced by proline, an amino acid with similar properties. This amino acid position is conserved. In addition, the in silico prediction for this alteration is inconclusive. Based on the available evidence, the clinical significance of this variant remains unclear.